The following is an entry in ClinVar:

ClinVar aggregate classification (germline): Uncertain significance (1 of 4 stars; one submission).

Allele frequency attached by ClinVar (database versions not stated): gnomAD 0.00003; gnomAD exomes 0.00003; TOPMed 0.00005; ExAC 0.00006.
gnomAD v4.1: 43 of 1,613,802 alleles (0.0027%); highest among the groups gnomAD compares: Non-Finnish European, 0.003%; no homozygotes.

Submission:

Labcorp Genetics (formerly Invitae), Labcorp
Classification: Uncertain significance. Last evaluated: 2025-10-02. Review status: criteria provided, single submitter. Criteria: Invitae Variant Classification Sherloc (09022015). Collection method: clinical testing. Allele origin: germline.
Comment: This sequence change replaces aspartic acid, which is acidic and polar, with asparagine, which is neutral and polar, at codon 568 of the ACAN protein (p.Asp568Asn). This variant is present in population databases (rs775104367, gnomAD 0.005%). This missense change has been observed in individual(s) with idiopathic short stature (PMID: 28939912). ClinVar contains an entry for this variant (Variation ID: 1416930). Invitae Evidence Modeling of protein sequence and biophysical properties (such as structural, functional, and spatial information, amino acid conservation, physicochemical variation, residue mobility, and thermodynamic stability) indicates that this missense variant is not expected to disrupt ACAN protein function with a negative predictive value of 80%. In summary, the available evidence is currently insufficient to determine the role of this variant in disease. Therefore, it has been classified as a Variant of Uncertain Significance.

Literature cited by the submitters: PubMed 28939912.

NM_001369268.1(ACAN):c.1702G>A (p.Asp568Asn)

Gene: ACAN (aggrecan; plus strand). Cytogenetic location: 15q26.1.
Variant type: single nucleotide variant.
Coding change: c.1702G>A on transcript NM_001369268.1 (MANE Select); coding-DNA position 1702, G replaced by A.
Protein change: p.Asp568Asn; replaces aspartic acid 568 with asparagine.
Molecular consequence: missense variant.
Genome position (GRCh38, 1-based): chr15:88,848,008, G>A. VCF-style: chr15-88848008-G-A. GRCh37 (hg19) VCF-style: chr15-89391239-G-A.
Other names: c.1702G>A, p.Asp568Asn (NM_001135.4, NM_013227.4); short protein forms D568N.
Identifiers: ClinVar variation 1416930 (VCV001416930.6), dbSNP rs775104367, ClinGen allele CA7719645.